The following is an entry in ClinVar:

ClinVar aggregate classification (germline): Uncertain significance (1 of 4 stars; one submission).

Submission:

GeneDx
Classification: Uncertain significance. Last evaluated: 2026-04-17. Review status: criteria provided, single submitter. Criteria: GeneDx Variant Classification Process June 2021. Collection method: clinical testing. Allele origin: germline.
Comment: Not observed at significant frequency in large population cohorts (gnomAD); In silico analysis supports that this missense variant has a deleterious effect on protein structure/function; Has not been previously published as pathogenic or benign to our knowledge.

NM_001429.4(EP300):c.4121T>C (p.Phe1374Ser)

Gene: EP300 (EP300 lysine acetyltransferase; plus strand). Cytogenetic location: 22q13.2.
Variant type: single nucleotide variant.
Coding change: c.4121T>C on transcript NM_001429.4 (MANE Select); coding-DNA position 4121, T replaced by C.
Protein change: p.Phe1374Ser; replaces phenylalanine 1374 with serine.
Molecular consequence: missense variant.
Genome position (GRCh38, 1-based): chr22:41,168,816, T>C. VCF-style: chr22-41168816-T-C. GRCh37 (hg19) VCF-style: chr22-41564820-T-C.
Other names: c.4043T>C, p.Phe1348Ser (NM_001362843.2); short protein forms F1348S, F1374S.
Identifiers: ClinVar variation 5037379 (VCV005037379.1).